The following is an entry in ClinVar:

ClinVar aggregate classification (germline): Conflicting classifications of pathogenicity. Review status: criteria provided, conflicting classifications (1 of 4 stars). 5 submissions from 5 submitters: Uncertain significance (2); Benign (1); Likely benign (2). Last evaluated 2025-12-03.

Conditions:
Inborn genetic diseases. Identifiers: MedGen C0950123, MeSH D030342.
Pitt-Hopkins-like syndrome 2 (PTHSL2). Identifiers: Orphanet 221150, Orphanet 600663, MedGen C3280479, MONDO:0013690, OMIM 614325.

Allele frequency attached by ClinVar (database versions not stated): gnomAD 0.00005 and 0.00006; TOPMed 0.00009; 1000 Genomes Project 30x 0.00016; 1000 Genomes Project 0.00020.
gnomAD v4.1: 123 of 1,609,904 alleles (0.0076%); highest among the groups gnomAD compares: East Asian, 0.25%; no homozygotes.

Submissions (5):

Labcorp Genetics (formerly Invitae), Labcorp
Classification: Benign for Pitt-Hopkins-like syndrome 2. Last evaluated: 2025-12-03. Review status: criteria provided, single submitter. Criteria: Invitae Variant Classification Sherloc (09022015). Collection method: clinical testing. Allele origin: germline.

Illumina Laboratory Services, Illumina
Classification: Uncertain significance for Pitt-Hopkins-like syndrome 2. Last evaluated: 2018-01-13. Review status: criteria provided, single submitter. Criteria: ICSL Variant Classification Criteria 13 December 2019. Collection method: clinical testing. Allele origin: germline.

GeneDx
Classification: Likely benign. Last evaluated: 2017-01-13. Review status: criteria provided, single submitter. Criteria: GeneDx Variant Classification (06012015). Collection method: clinical testing. Allele origin: germline. Affected: yes.
Comment: This variant is considered likely benign or benign based on one or more of the following criteria: it is a conservative change, it occurs at a poorly conserved position in the protein, it is predicted to be benign by multiple in silico algorithms, and/or has population frequency not consistent with disease.

Ambry Genetics
Classification: Likely benign for Inborn genetic diseases. Last evaluated: 2016-05-31. Review status: criteria provided, single submitter. Criteria: Ambry Variant Classification Scheme 2023. Collection method: clinical testing. Allele origin: germline.

Genetic Services Laboratory, University of Chicago
Classification: Uncertain significance. Last evaluated: 2013-08-27. Review status: criteria provided, single submitter. Criteria: ACMG Guidelines, 2007. Collection method: clinical testing. Allele origin: germline. Inheritance: Autosomal recessive inheritance.

NM_001330078.2(NRXN1):c.3219C>T (p.Asn1073=)

Gene: NRXN1 (neurexin 1; minus strand). Cytogenetic location: 2p16.3.
Variant type: single nucleotide variant.
Coding change: c.3219C>T on transcript NM_001330078.2 (MANE Select); coding-DNA position 3219, C replaced by T.
Protein change: p.Asn1073=; no amino-acid change (asparagine 1073 retained).
Molecular consequence: synonymous variant.
Genome position (GRCh38, 1-based): chr2:50,472,323, G>A on the plus strand (C>T on the coding strand, the complement: NRXN1 is on the minus strand). VCF-style: chr2-50472323-G-A. GRCh37 (hg19) VCF-style: chr2-50699461-G-A.
Other names: c.3339C>T, p.Asn1113= (NM_001135659.3); c.3195C>T, p.Asn1065= (NM_001330077.2, NM_001330082.2); c.3153C>T, p.Asn1051= (NM_001330083.2, NM_001330084.2); c.3192C>T, p.Asn1064= (NM_001330085.2); c.3219C>T, p.Asn1073= (NM_001330086.2, NM_004801.6); c.3108C>T, p.Asn1036= (NM_001330087.2, NM_001330096.2); c.3138C>T, p.Asn1046= (NM_001330088.2); c.3216C>T, p.Asn1072= (NM_001330093.2); and 2 more.
Identifiers: ClinVar variation 129819 (VCV000129819.25), dbSNP rs563089155, ClinGen allele CA231340.